The following is an entry in ClinVar:

ClinVar aggregate classification (germline): Uncertain significance (1 of 4 stars; one submission).

Conditions:
Hereditary cancer-predisposing syndrome. Also called: Neoplastic Syndromes, Hereditary; Hereditary Cancer Syndrome; Hereditary neoplastic syndrome; Tumor predisposition. Identifiers: Orphanet 140162, MedGen C0027672, MeSH D009386, MONDO:0015356.

Submission:

Ambry Genetics
Classification: Uncertain significance for Hereditary cancer-predisposing syndrome. Last evaluated: 2023-06-08. Review status: criteria provided, single submitter. Criteria: Ambry Variant Classification Scheme 2023. Collection method: clinical testing. Allele origin: germline.
Comment: The p.P1291Q variant (also known as c.3872C>A), located in coding exon 19 of the BLM gene, results from a C to A substitution at nucleotide position 3872. The proline at codon 1291 is replaced by glutamine, an amino acid with similar properties. This amino acid position is conserved. In addition, the in silico prediction for this alteration is inconclusive. Since supporting evidence is limited at this time, the clinical significance of this alteration remains unclear.

NM_000057.4(BLM):c.3872C>A (p.Pro1291Gln)

Gene: BLM (BLM RecQ like helicase; plus strand). Cytogenetic location: 15q26.1.
Variant type: single nucleotide variant.
Coding change: c.3872C>A on transcript NM_000057.4 (MANE Select); coding-DNA position 3872, C replaced by A.
Protein change: p.Pro1291Gln; replaces proline 1291 with glutamine.
Molecular consequence: missense variant.
Genome position (GRCh38, 1-based): chr15:90,809,257, C>A. VCF-style: chr15-90809257-C-A. GRCh37 (hg19) VCF-style: chr15-91352487-C-A.
Other names: c.3872C>A, p.Pro1291Gln (NM_001287246.2); c.3479C>A, p.Pro1160Gln (NM_001287247.2); c.2747C>A, p.Pro916Gln (NM_001287248.2); short protein forms P1160Q, P1291Q, P916Q.
Identifiers: ClinVar variation 2562332 (VCV002562332.2), dbSNP rs373003917, ClinGen allele CA393849847.
Genomic context (GRCh38, chr15:90,809,257, plus strand): 5'-TGGAAAAATATGGTGCGGAAGTGATTTCAGTATTACAGAAATACTCTGAATGGACATCGC[C>A]AGGTTAGTACACAGCCATGTGTGTTCTCTAAAAGCCTGTTTAATGTGAAGCGACGCGTCT-3'
Protein context (NP_000048.1, residues 1281-1301): VLQKYSEWTS[Pro1291Gln]AEDSSPGISL